The following is an entry in ClinVar:

ClinVar aggregate classification (germline): Pathogenic (1 of 4 stars; one submission).

Conditions:
Duchenne muscular dystrophy (DMD). Also called: MUSCULAR DYSTROPHY, PSEUDOHYPERTROPHIC PROGRESSIVE, DUCHENNE TYPE; Duchenne Muscular Dystrophy (DMD). Identifiers: Orphanet 98896, MedGen C0013264, MONDO:0010679, OMIM 310200.

Submission:

Labcorp Genetics (formerly Invitae), Labcorp
Classification: Pathogenic for Duchenne muscular dystrophy. Last evaluated: 2023-08-04. Review status: criteria provided, single submitter. Criteria: Invitae Variant Classification Sherloc (09022015). Collection method: clinical testing. Allele origin: germline.
Comment: For these reasons, this variant has been classified as Pathogenic. A similar copy number variant has been observed in individual(s) with Duchenne muscular dystrophy (PMID: 19937601). This variant is a gross deletion of the genomic region encompassing exon(s) 14-43 of the DMD gene. This deletion is out-of-frame, and is expected to create a premature termination codon and result in an absent or disrupted protein product. Loss-of-function variants in DMD are known to be pathogenic (PMID: 16770791, 25007885).

Literature cited by the submitters: PubMed 19937601; PubMed 16770791; PubMed 25007885.

NC_000023.10:g.(?_32305626)_(32591983_?)del

Gene: DMD (dystrophin; minus strand). Cytogenetic location: Xp21.1.
Variant type: Deletion.
Identifiers: ClinVar variation 1362993 (VCV001362993.6).